The following is an entry in ClinVar:

ClinVar aggregate classification (germline): Uncertain significance (1 of 4 stars; one submission).

Conditions:
Hereditary cancer-predisposing syndrome. Also called: Neoplastic Syndromes, Hereditary; Tumor predisposition; Hereditary Cancer Syndrome; Hereditary neoplastic syndrome. Identifiers: Orphanet 140162, MedGen C0027672, MeSH D009386, MONDO:0015356.

Submission:

Ambry Genetics
Classification: Uncertain significance for Hereditary cancer-predisposing syndrome. Last evaluated: 2024-09-30. Review status: criteria provided, single submitter. Criteria: Ambry Variant Classification Scheme 2023. Collection method: clinical testing. Allele origin: germline.
Comment: The p.A241S variant (also known as c.721G>T), located in coding exon 3 of the PHOX2B gene, results from a G to T substitution at nucleotide position 721. The alanine at codon 241 is replaced by serine, an amino acid with similar properties. This amino acid position is conserved. In addition, this alteration is predicted to be tolerated by in silico analysis. Based on the available evidence, the clinical significance of this variant remains unclear.

NM_003924.4(PHOX2B):c.721G>T (p.Ala241Ser)

Gene: PHOX2B (paired like homeobox 2B; minus strand). Cytogenetic location: 4p13.
Variant type: single nucleotide variant.
Coding change: c.721G>T on transcript NM_003924.4 (MANE Select); coding-DNA position 721, G replaced by T.
Protein change: p.Ala241Ser; replaces alanine 241 with serine.
Molecular consequence: missense variant.
Genome position (GRCh38, 1-based): chr4:41,746,031, C>A on the plus strand (G>T on the coding strand, the complement: PHOX2B is on the minus strand). VCF-style: chr4-41746031-C-A. GRCh37 (hg19) VCF-style: chr4-41748048-C-A.
Other names: short protein forms A241S.
Identifiers: ClinVar variation 3417920 (VCV003417920.1).